The following is an entry in ClinVar:

NM_025114.4(CEP290):c.3824G>C (p.Ser1275Thr)

Gene: CEP290 (centrosomal protein 290; minus strand). Cytogenetic location: 12q21.32.
Variant type: single nucleotide variant.
Coding change: c.3824G>C on transcript NM_025114.4 (MANE Select); coding-DNA position 3824, G replaced by C.
Protein change: p.Ser1275Thr; replaces serine 1275 with threonine.
Molecular consequence: missense variant.
Genome position (GRCh38, 1-based): chr12:88,089,237, C>G on the plus strand (G>C on the coding strand, the complement: CEP290 is on the minus strand). VCF-style: chr12-88089237-C-G. GRCh37 (hg19) VCF-style: chr12-88483014-C-G.
Other names: short protein forms S1275T.
Identifiers: ClinVar variation 4996009 (VCV004996009.1).

ClinVar aggregate classification (germline): Uncertain significance (1 of 4 stars; one submission).

Conditions:
CEP290-related disorder. Also called: CEP290-related condition; CEP290-related disorders. Identifiers: MedGen CN239314.

gnomAD v4.1: 1 of 1,613,886 alleles (0.000062%); highest among the groups gnomAD compares: Non-Finnish European, 0.000085%; no homozygotes.

Submission:

PreventionGenetics, part of Exact Sciences
Classification: Uncertain significance for CEP290-related condition. Last evaluated: 2026-06-08. Review status: criteria provided, single submitter. Criteria: ACMG Guidelines, 2015. Collection method: clinical testing. Allele origin: germline.
Comment: The CEP290 c.3824G>C variant is predicted to result in the amino acid substitution p.Ser1275Thr. To our knowledge, this variant has not been reported in the literature or in a large population database (gnomAD), indicating this variant is rare. At this time, the clinical significance of this variant is uncertain due to the absence of conclusive functional and genetic evidence.